The following is an entry in ClinVar:

NM_001291867.2(NHS):c.3689A>G (p.Asp1230Gly)

Gene: NHS (NHS actin remodeling regulator; plus strand). Cytogenetic location: Xp22.13.
Variant type: single nucleotide variant.
Coding change: c.3689A>G on transcript NM_001291867.2 (MANE Select); coding-DNA position 3689, A replaced by G.
Protein change: p.Asp1230Gly; replaces aspartic acid 1230 with glycine.
Molecular consequence: missense variant.
Genome position (GRCh38, 1-based): chrX:17,727,795, A>G. VCF-style: chrX-17727795-A-G. GRCh37 (hg19) VCF-style: chrX-17745915-A-G.
Other names: c.3158A>G, p.Asp1053Gly (NM_001136024.4); c.3095A>G, p.Asp1032Gly (NM_001291868.2); c.3626A>G, p.Asp1209Gly (NM_198270.4); c.3626A>G (NM_198270.2); short protein forms D1053G, D1209G, D1230G, D1032G.
Identifiers: ClinVar variation 2191639 (VCV002191639.5), dbSNP rs2519941139, ClinGen allele CA412365609.
Genomic context (GRCh38, chrX:17,727,795, plus strand): 5'-TGGGACCAGATAAACTACATTTAGAAAAAAACTCTACTTTTGATGTGAAGAATCGCTGCG[A>G]TCCAGAAACCATAACATCAGCTGGTAGCAGTCTTCTAGATTCAAATGTCACAAAAGACCA-3'
Protein context (NP_001278796.1, residues 1220-1240): NSTFDVKNRC[Asp1230Gly]PETITSAGSS

ClinVar aggregate classification (germline): Uncertain significance. Review status: criteria provided, multiple submitters, no conflicts (2 of 4 stars). 2 submissions from 2 submitters: Uncertain significance (2). Last evaluated 2024-11-18.

Conditions:
Nance-Horan syndrome (NHS). Identifiers: Orphanet 627, MedGen C0796085, MONDO:0010545, OMIM 302350.
Inborn genetic diseases. Identifiers: MedGen C0950123, MeSH D030342.

Allele frequency attached by ClinVar (database versions not stated): gnomAD exomes below 0.00001.

Submissions (2):

Labcorp Genetics (formerly Invitae), Labcorp
Classification: Uncertain significance for Nance-Horan syndrome. Last evaluated: 2024-11-18. Review status: criteria provided, single submitter. Criteria: Invitae Variant Classification Sherloc (09022015). Collection method: clinical testing. Allele origin: germline.
Comment: This sequence change replaces aspartic acid, which is acidic and polar, with glycine, which is neutral and non-polar, at codon 1209 of the NHS protein (p.Asp1209Gly). This variant is not present in population databases (gnomAD no frequency). This variant has not been reported in the literature in individuals affected with NHS-related conditions. ClinVar contains an entry for this variant (Variation ID: 2191639). Invitae Evidence Modeling of protein sequence and biophysical properties (such as structural, functional, and spatial information, amino acid conservation, physicochemical variation, residue mobility, and thermodynamic stability) indicates that this missense variant is not expected to disrupt NHS protein function with a negative predictive value of 80%. In summary, the available evidence is currently insufficient to determine the role of this variant in disease. Therefore, it has been classified as a Variant of Uncertain Significance.

Ambry Genetics
Classification: Uncertain significance for Inborn genetic diseases. Last evaluated: 2022-10-04. Review status: criteria provided, single submitter. Criteria: Ambry Variant Classification Scheme 2023. Collection method: clinical testing. Allele origin: germline.